The following is an entry in ClinVar:

ClinVar aggregate classification (germline): Likely benign. Review status: criteria provided, multiple submitters, no conflicts (2 of 4 stars). 2 submissions from 2 submitters: Likely benign (2). Last evaluated 2024-09-13.

gnomAD v4.1: 22 of 1,579,368 alleles (0.0014%); highest among the groups gnomAD compares: African/African-American, 0.0096%; no homozygotes.

Submissions (2):

Blueprint Genetics
Classification: Likely benign. Last evaluated: 2024-09-13. Review status: criteria provided, single submitter. Criteria: ACMG Guidelines, 2015. Collection method: clinical testing. Allele origin: germline.

CeGaT Center for Human Genetics Tuebingen
Classification: Likely benign. Last evaluated: 2024-08-01. Review status: criteria provided, single submitter. Criteria: CeGaT Center For Human Genetics Tuebingen Variant Classification Criteria Version 2. Collection method: clinical testing. Allele origin: germline. Affected: yes. Observed: 1 variant allele.
Comment: MACF1: BP4, BS2

NM_001394062.1(MACF1):c.15787A>G (p.Ile5263Val)

Gene: MACF1 (microtubule actin crosslinking factor 1; plus strand). Cytogenetic location: 1p34.3.
Variant type: single nucleotide variant.
Coding change: c.15787A>G on transcript NM_001394062.1 (MANE Select); coding-DNA position 15787, A replaced by G.
Protein change: p.Ile5263Val; replaces isoleucine 5263 with valine.
Molecular consequence: missense variant.
Genome position (GRCh38, 1-based): chr1:39,388,629, A>G. VCF-style: chr1-39388629-A-G. GRCh37 (hg19) VCF-style: chr1-39854301-A-G.
Other names: c.9601A>G, p.Ile3201Val (NM_012090.5); short protein forms I3201V, I5263V.
Identifiers: ClinVar variation 3341685 (VCV003341685.17).
Genomic context (GRCh38, chr1:39,388,629, plus strand): 5'-GCGACCACAGCAGCAGAGGAGGCAGAGGCCCTCCAGTGGGTAGTGGGGACCGAAGTGGAA[A>G]TCATCAACCAACAATTAGCAGATTTTAAAGTAAGTCTGAACCTTGTTTTTCTTTTTCTTT-3'
Protein context (NP_001380991.1, residues 5253-5273): LQWVVGTEVE[Ile5263Val]INQQLADFKM